The following is an entry in ClinVar:

NM_001715.3(BLK):c.884G>C (p.Arg295Pro)

Genes: BLK (BLK proto-oncogene, Src family tyrosine kinase), BLK-AS1 (BLK antisense RNA 1). Cytogenetic location: 8p23.1.
Variant type: single nucleotide variant.
Coding change: c.884G>C on transcript NM_001715.3 (MANE Select); coding-DNA position 884, G replaced by C.
Protein change: p.Arg295Pro; replaces arginine 295 with proline.
Molecular consequence: missense variant.
Genome position (GRCh38, 1-based): chr8:11,556,769, G>C. VCF-style: chr8-11556769-G-C. GRCh37 (hg19) VCF-style: chr8-11414278-G-C.
Other names: c.671G>C, p.Arg224Pro (NM_001330465.2); short protein forms R224P, R295P.
Identifiers: ClinVar variation 2771580 (VCV002771580.3), dbSNP rs778020923, ClinGen allele CA370315009.

ClinVar aggregate classification (germline): Uncertain significance (1 of 4 stars; one submission).

gnomAD v4.1: 2 of 1,614,200 alleles (0.00012%); highest among the groups gnomAD compares: Non-Finnish European, 0.00017%; no homozygotes.

Submission:

Labcorp Genetics (formerly Invitae), Labcorp
Classification: Uncertain significance. Last evaluated: 2023-10-24. Review status: criteria provided, single submitter. Criteria: Invitae Variant Classification Sherloc (09022015). Collection method: clinical testing. Allele origin: germline.
Comment: This sequence change replaces arginine, which is basic and polar, with proline, which is neutral and non-polar, at codon 295 of the BLK protein (p.Arg295Pro). This variant is not present in population databases (gnomAD no frequency). This variant has not been reported in the literature in individuals affected with BLK-related conditions. An algorithm developed to predict the effect of missense changes on protein structure and function (PolyPhen-2) suggests that this variant is likely to be disruptive. In summary, the available evidence is currently insufficient to determine the role of this variant in disease. Therefore, it has been classified as a Variant of Uncertain Significance.